The following is an entry in ClinVar:

ClinVar aggregate classification (germline): Uncertain significance. Review status: criteria provided, multiple submitters, no conflicts (2 of 4 stars). 2 submissions from 2 submitters: Uncertain significance (2). Last evaluated 2025-03-31.

Conditions:
Primary ciliary dyskinesia. Also called: Ciliary dyskinesia. Identifiers: Orphanet 244, MedGen C0008780, MONDO:0016575, HP:0012265.

Allele frequency attached by ClinVar (database versions not stated): gnomAD exomes below 0.00001; ExAC 0.00001.
gnomAD v4.1: 1 of 1,210,566 alleles (0.000083%); highest among the groups gnomAD compares: Non-Finnish European, 0.00011%; no homozygotes.

Submissions (2):

Labcorp Genetics (formerly Invitae), Labcorp
Classification: Uncertain significance for Primary ciliary dyskinesia. Last evaluated: 2025-03-31. Review status: criteria provided, single submitter. Criteria: Invitae Variant Classification Sherloc (09022015). Collection method: clinical testing. Allele origin: germline.
Comment: This sequence change replaces methionine, which is neutral and non-polar, with valine, which is neutral and non-polar, at codon 466 of the RPGR protein (p.Met466Val). This variant is present in population databases (rs774476238, gnomAD 0.001%). This variant has not been reported in the literature in individuals affected with RPGR-related conditions. ClinVar contains an entry for this variant (Variation ID: 2171584). Invitae Evidence Modeling of protein sequence and biophysical properties (such as structural, functional, and spatial information, amino acid conservation, physicochemical variation, residue mobility, and thermodynamic stability) indicates that this missense variant is not expected to disrupt RPGR protein function with a negative predictive value of 95%. In summary, the available evidence is currently insufficient to determine the role of this variant in disease. Therefore, it has been classified as a Variant of Uncertain Significance.

Ambry Genetics
Classification: Uncertain significance for Primary ciliary dyskinesia. Last evaluated: 2024-12-17. Review status: criteria provided, single submitter. Criteria: Ambry Variant Classification Scheme 2023. Collection method: clinical testing. Allele origin: germline.

NM_001034853.2(RPGR):c.1396A>G (p.Met466Val)

Gene: RPGR (retinitis pigmentosa GTPase regulator; minus strand). Cytogenetic location: Xp11.4.
Variant type: single nucleotide variant.
Coding change: c.1396A>G on transcript NM_001034853.2 (MANE Select); coding-DNA position 1396, A replaced by G.
Protein change: p.Met466Val; replaces methionine 466 with valine.
Molecular consequence: missense variant. On other transcripts: non-coding transcript variant (6).
Genome position (GRCh38, 1-based): chrX:38,297,302, T>C on the plus strand (A>G on the coding strand, the complement: RPGR is on the minus strand). VCF-style: chrX-38297302-T-C. GRCh37 (hg19) VCF-style: chrX-38156555-T-C.
Other names: c.1396A>G, p.Met466Val (NM_000328.3, NM_001367247.1); c.1393A>G, p.Met465Val (NM_001367245.1, NM_001367249.1, NM_001367250.1); c.1210A>G, p.Met404Val (NM_001367246.1, NM_001367251.1); c.1426A>G, p.Met476Val (NM_001367248.1); c.1396A>G (NM_000328.2); short protein forms M465V, M404V, M466V, M476V.
Identifiers: ClinVar variation 2171584 (VCV002171584.5), dbSNP rs774476238, ClinGen allele CA10385486.